The following is an entry in ClinVar:

NM_001174089.2(SLC4A11):c.1611C>T (p.Asn537=)

Gene: SLC4A11 (solute carrier family 4 member 11; minus strand). Cytogenetic location: 20p13.
Variant type: single nucleotide variant.
Coding change: c.1611C>T on transcript NM_001174089.2 (MANE Select); coding-DNA position 1611, C replaced by T.
Protein change: p.Asn537=; no amino-acid change (asparagine 537 retained).
Molecular consequence: synonymous variant. On other transcripts: non-coding transcript variant (1).
Genome position (GRCh38, 1-based): chr20:3,229,655, G>A on the plus strand (C>T on the coding strand, the complement: SLC4A11 is on the minus strand). VCF-style: chr20-3229655-G-A. GRCh37 (hg19) VCF-style: chr20-3210301-G-A.
Other names: p.Asn553=; c.1740C>T, p.Asn580= (NM_001174090.2); c.1497C>T, p.Asn499= (NM_001363745.2); c.1659C>T, p.Asn553= (NM_032034.4).
Identifiers: ClinVar variation 261997 (VCV000261997.23), dbSNP rs41281860, ClinGen allele CA9741780.
Genomic context (GRCh38, chr20:3,229,655, plus strand): 5'-GGTCGCCTGGCCTGAGTGTGTGGCCGAGGGCAGCTCCGTGGGGCTGGCGAGGAAGCTGGC[G>A]TTGAGGGCAGTGTGGAGGCTGGCGTTGAGGCTGGCGCCGAGGCCTGACAGGCTGACAAGG-3'
Protein context (NP_001167560.1, residues 527-547): SLNASLHTAL[Asn537=]ASFLASPTEL

ClinVar aggregate classification (germline): Benign. Review status: criteria provided, multiple submitters, no conflicts (2 of 4 stars). 8 submissions from 7 submitters: Benign (7). 1 of the submissions does not count toward it. Last evaluated 2026-02-04.

Conditions:
Corneal dystrophy. Identifiers: Orphanet 34533, MedGen C0010036, MONDO:0018102, HP:0001131.
Corneal dystrophy-perceptive deafness syndrome (CDPD). Also called: CORNEAL DYSTROPHY AND SENSORINEURAL DEAFNESS; HARBOYAN SYNDROME. Identifiers: Orphanet 1490, MedGen C1857572, MONDO:0009015, OMIM 217400.
Congenital hereditary endothelial dystrophy of cornea. Also called: Corneal endothelial dystrophy, autosomal recessive; Congenital hereditary endothelial dystrophy of the cornea; Maumenee corneal dystrophy; CORNEAL DYSTROPHY, CONGENITAL HEREDITARY ENDOTHELIAL; Congenital hereditary endothelial dystrophy type II. Identifiers: Orphanet 293603, MedGen C1857569, MONDO:0009019, OMIM 217700.

Allele frequency attached by ClinVar (database versions not stated): 1000 Genomes Project 0.04852; 1000 Genomes Project 30x 0.04966; gnomAD exomes 0.09349 and 0.11308; gnomAD 0.09036 and 0.09317; TOPMed 0.08367; ESP Exome Variant Server 0.09380; ExAC 0.09160.
gnomAD v4.1: 178,482 of 1,613,742 alleles (11%); highest among the groups gnomAD compares: Non-Finnish European, 13%; 11,084 homozygotes.

Submissions (8):

Labcorp Genetics (formerly Invitae), Labcorp
Classification: Benign. Last evaluated: 2026-02-04. Review status: criteria provided, single submitter. Criteria: Invitae Variant Classification Sherloc (09022015). Collection method: clinical testing. Allele origin: germline.

Mayo Clinic Laboratories, Mayo Clinic
Classification: Benign. Last evaluated: 2022-11-10. Review status: criteria provided, single submitter. Criteria: ACMG Guidelines, 2015. Collection method: clinical testing. Allele origin: germline. Observed: 7 variant alleles.

Genome-Nilou Lab
Classification: Benign for Corneal dystrophy-perceptive deafness syndrome. Last evaluated: 2021-07-10. Review status: criteria provided, single submitter. Criteria: ACMG Guidelines, 2015. Collection method: clinical testing. Allele origin: germline. Affected: no.

Genome-Nilou Lab
Classification: Benign for Congenital hereditary endothelial dystrophy of cornea. Last evaluated: 2021-07-10. Review status: criteria provided, single submitter. Criteria: ACMG Guidelines, 2015. Collection method: clinical testing. Allele origin: germline. Affected: no.

Illumina Laboratory Services, Illumina
Classification: Benign for Corneal dystrophy. Last evaluated: 2018-01-13. Review status: criteria provided, single submitter. Criteria: ICSL Variant Classification Criteria 13 December 2019. Collection method: clinical testing. Allele origin: germline.
Comment: This variant was observed in the ICSL laboratory as part of a predisposition screen in an ostensibly healthy population. It had not been previously curated by ICSL or reported in the Human Gene Mutation Database (HGMD: prior to June 1st, 2018), and was therefore a candidate for classification through an automated scoring system. Utilizing variant allele frequency, disease prevalence and penetrance estimates, and inheritance mode, an automated score was calculated to assess if this variant is too frequent to cause the disease. Based on the score and internal cut-off values, a variant classified as benign is not then subjected to further curation. The score for this variant resulted in a classification of benign for this disease.

Breakthrough Genomics
Classification: Benign. Review status: criteria provided, single submitter. Criteria: ACMG Guidelines, 2015. Collection method: not provided. Allele origin: germline. Inheritance: Autosomal recessive inheritance. Affected: yes.

PreventionGenetics, part of Exact Sciences
Classification: Benign. Review status: criteria provided, single submitter. Criteria: ACMG Guidelines, 2015. Collection method: clinical testing. Allele origin: germline.

Natera, Inc.
Classification: Benign for Corneal dystrophy-perceptive deafness syndrome. Last evaluated: 2019-11-21. Review status: no assertion criteria provided. Collection method: clinical testing. Allele origin: germline. Not counted in ClinVar's aggregate classification.